The following is an entry in ClinVar:

ClinVar aggregate classification (germline): Uncertain significance. Review status: criteria provided, multiple submitters, no conflicts (2 of 4 stars). 2 submissions from 2 submitters: Uncertain significance (2). Last evaluated 2023-10-14.

Conditions:
Primary familial hypertrophic cardiomyopathy (HCM). Identifiers: Orphanet 99739, MedGen C0949658, MeSH D024741, MONDO:0024573. Inheritance: Various modes of inheritance.
Dilated cardiomyopathy 1AA (CMD1AA). Also called: CARDIOMYOPATHY, DILATED, 1AA, WITH OR WITHOUT LEFT VENTRICULAR NONCOMPACTION; CARDIOMYOPATHY, FAMILIAL HYPERTROPHIC, 23, WITH OR WITHOUT LEFT VENTRICULAR NONCOMPACTION; Cardiomyopathy, dilated, 1AA, with or without LVNC. Identifiers: Orphanet 154, MedGen C2677338, MONDO:0012808, OMIM 612158.
Cardiovascular phenotype. Identifiers: MedGen CN230736.

Submissions (2):

Labcorp Genetics (formerly Invitae), Labcorp
Classification: Uncertain significance for Primary familial hypertrophic cardiomyopathy; Dilated cardiomyopathy 1AA. Last evaluated: 2023-10-14. Review status: criteria provided, single submitter. Criteria: Invitae Variant Classification Sherloc (09022015). Collection method: clinical testing. Allele origin: germline.
Comment: This sequence change replaces alanine, which is neutral and non-polar, with threonine, which is neutral and polar, at codon 670 of the ACTN2 protein (p.Ala670Thr). This variant is not present in population databases (gnomAD no frequency). This variant has not been reported in the literature in individuals affected with ACTN2-related conditions. ClinVar contains an entry for this variant (Variation ID: 2485277). Advanced modeling of protein sequence and biophysical properties (such as structural, functional, and spatial information, amino acid conservation, physicochemical variation, residue mobility, and thermodynamic stability) performed at Invitae indicates that this missense variant is not expected to disrupt ACTN2 protein function. In summary, the available evidence is currently insufficient to determine the role of this variant in disease. Therefore, it has been classified as a Variant of Uncertain Significance.

Ambry Genetics
Classification: Uncertain significance for Cardiovascular phenotype. Last evaluated: 2023-02-15. Review status: criteria provided, single submitter. Criteria: Ambry Variant Classification Scheme 2023. Collection method: clinical testing. Allele origin: germline.

NM_001103.4(ACTN2):c.2008G>A (p.Ala670Thr)

Gene: ACTN2 (actinin alpha 2; plus strand). Cytogenetic location: 1q43.
Variant type: single nucleotide variant.
Coding change: c.2008G>A on transcript NM_001103.4 (MANE Select); coding-DNA position 2008, G replaced by A.
Protein change: p.Ala670Thr; replaces alanine 670 with threonine.
Molecular consequence: missense variant. On other transcripts: non-coding transcript variant (1).
Genome position (GRCh38, 1-based): chr1:236,755,052, G>A. VCF-style: chr1-236755052-G-A. GRCh37 (hg19) VCF-style: chr1-236918352-G-A.
Other names: c.2008G>A, p.Ala670Thr (NM_001278343.2); c.1384G>A, p.Ala462Thr (NM_001278344.2); c.1258G>A, p.Ala420Thr (NM_001412150.1); short protein forms A462T, A420T, A670T.
Identifiers: ClinVar variation 2485277 (VCV002485277.5), dbSNP rs1354513043, ClinGen allele CA345387454.